The following is an entry in ClinVar:

NM_001371986.1(UNC80):c.9142G>A (p.Val3048Met)

Gene: UNC80 (unc-80 subunit of NALCN channel complex; plus strand). Cytogenetic location: 2q34.
Variant type: single nucleotide variant.
Coding change: c.9142G>A on transcript NM_001371986.1 (MANE Select); coding-DNA position 9142, G replaced by A.
Protein change: p.Val3048Met; replaces valine 3048 with methionine.
Molecular consequence: missense variant.
Genome position (GRCh38, 1-based): chr2:209,982,202, G>A. VCF-style: chr2-209982202-G-A. GRCh37 (hg19) VCF-style: chr2-210846926-G-A.
Other names: c.8944G>A, p.Val2982Met (NM_032504.2); c.8929G>A, p.Val2977Met (NM_182587.4); c.8944G>A (NM_032504.1); short protein forms V2977M, V2982M, V3048M.
Identifiers: ClinVar variation 1579290 (VCV001579290.11), dbSNP rs577009807, ClinGen allele CA2083634.

ClinVar aggregate classification (germline): Likely benign. Review status: criteria provided, multiple submitters, no conflicts (2 of 4 stars). 3 submissions from 3 submitters: Likely benign (2). 1 of the submissions does not count toward it. Last evaluated 2025-10-15.

Conditions:
Inborn genetic diseases. Identifiers: MedGen C0950123, MeSH D030342.
UNC80-related disorder. Also called: UNC80-related condition.

Allele frequency attached by ClinVar (database versions not stated): ExAC 0.00014; gnomAD 0.00016 and 0.00019; TOPMed 0.00023; gnomAD exomes 0.00043; 1000 Genomes Project 30x 0.00047; 1000 Genomes Project 0.00060.
gnomAD v4.1: 230 of 1,551,568 alleles (0.015%); highest among the groups gnomAD compares: East Asian, 0.25%; 1 homozygote.

Submissions (3):

Labcorp Genetics (formerly Invitae), Labcorp
Classification: Likely benign. Last evaluated: 2025-10-15. Review status: criteria provided, single submitter. Criteria: Invitae Variant Classification Sherloc (09022015). Collection method: clinical testing. Allele origin: germline.

Ambry Genetics
Classification: Likely benign for Inborn genetic diseases. Last evaluated: 2023-09-20. Review status: criteria provided, single submitter. Criteria: Ambry Variant Classification Scheme 2023. Collection method: clinical testing. Allele origin: germline.

PreventionGenetics, part of Exact Sciences
Classification: Likely benign for UNC80-related condition. Last evaluated: 2022-07-11. Review status: no assertion criteria provided. Collection method: clinical testing. Allele origin: germline. Not counted in ClinVar's aggregate classification.
Comment: This variant is classified as likely benign based on ACMG/AMP sequence variant interpretation guidelines (Richards et al. 2015 PMID: 25741868, with internal and published modifications).